The following is an entry in ClinVar:

ClinVar aggregate classification (germline): Uncertain significance. Review status: criteria provided, multiple submitters, no conflicts (2 of 4 stars). 2 submissions from 2 submitters: Uncertain significance (2). Last evaluated 2025-04-22.

Conditions:
Cardiovascular phenotype. Identifiers: MedGen CN230736.
Hereditary cancer-predisposing syndrome. Also called: Hereditary neoplastic syndrome; Neoplastic Syndromes, Hereditary; Tumor predisposition; Hereditary Cancer Syndrome. Identifiers: Orphanet 140162, MedGen C0027672, MeSH D009386, MONDO:0015356.
Neurofibromatosis, type 1 (NF1). Also called: VON RECKLINGHAUSEN DISEASE; Peripheral type neurofibromatosis; NEUROFIBROMATOSIS, TYPE I, SOMATIC; Neurofibromatosis, type I. Identifiers: Orphanet 636, MedGen C0027831, MONDO:0018975, OMIM 162200. Disease mechanism: loss of function.

Submissions (2):

Labcorp Genetics (formerly Invitae), Labcorp
Classification: Uncertain significance for Neurofibromatosis, type 1. Last evaluated: 2025-04-22. Review status: criteria provided, single submitter. Criteria: Invitae Variant Classification Sherloc (09022015). Collection method: clinical testing. Allele origin: germline.
Comment: This sequence change replaces alanine, which is neutral and non-polar, with valine, which is neutral and non-polar, at codon 771 of the NF1 protein (p.Ala771Val). This variant is not present in population databases (gnomAD no frequency). This variant has not been reported in the literature in individuals affected with NF1-related conditions. ClinVar contains an entry for this variant (Variation ID: 480223). Invitae Evidence Modeling of protein sequence and biophysical properties (such as structural, functional, and spatial information, amino acid conservation, physicochemical variation, residue mobility, and thermodynamic stability) indicates that this missense variant is not expected to disrupt NF1 protein function with a negative predictive value of 95%. In summary, the available evidence is currently insufficient to determine the role of this variant in disease. Therefore, it has been classified as a Variant of Uncertain Significance.

Ambry Genetics
Classification: Uncertain significance for Cardiovascular phenotype; Hereditary cancer-predisposing syndrome. Last evaluated: 2017-08-10. Review status: criteria provided, single submitter. Criteria: Ambry Variant Classification Scheme 2023. Collection method: clinical testing. Allele origin: germline.
Comment: The p.A771V variant (also known as c.2312C>T), located in coding exon 19 of the NF1 gene, results from a C to T substitution at nucleotide position 2312. The alanine at codon 771 is replaced by valine, an amino acid with similar properties. This amino acid position is not well conserved in available vertebrate species. In addition, this alteration is predicted to be tolerated by in silico analysis. Since supporting evidence is limited at this time, the clinical significance of this alteration remains unclear.

NM_001042492.3(NF1):c.2312C>T (p.Ala771Val)

Gene: NF1 (neurofibromin 1; plus strand). Cytogenetic location: 17q11.2.
Variant type: single nucleotide variant.
Coding change: c.2312C>T on transcript NM_001042492.3 (MANE Select); coding-DNA position 2312, C replaced by T.
Protein change: p.Ala771Val; replaces alanine 771 with valine.
Molecular consequence: missense variant.
Genome position (GRCh38, 1-based): chr17:31,227,278, C>T. VCF-style: chr17-31227278-C-T. GRCh37 (hg19) VCF-style: chr17-29554296-C-T.
Other names: c.2312C>T, p.Ala771Val (NM_000267.4); short protein forms A771V.
Identifiers: ClinVar variation 480223 (VCV000480223.11), dbSNP rs1555613928, ClinGen allele CA398982895.